The following is an entry in ClinVar:

ClinVar aggregate classification (germline): Uncertain significance. Review status: criteria provided, multiple submitters, no conflicts (2 of 4 stars). 2 submissions from 2 submitters: Uncertain significance (2). Last evaluated 2024-01-30.

Conditions:
Inborn genetic diseases. Identifiers: MedGen C0950123, MeSH D030342.

Allele frequency attached by ClinVar (database versions not stated): ExAC 0.00002; gnomAD exomes 0.00003; gnomAD 0.00006; TOPMed 0.00015; 1000 Genomes Project 30x 0.00016; 1000 Genomes Project 0.00020.
gnomAD v4.1: 30 of 1,613,906 alleles (0.0019%); highest among the groups gnomAD compares: Admixed American, 0.038%; no homozygotes.

Submissions (2):

Ambry Genetics
Classification: Uncertain significance for Inborn genetic diseases. Last evaluated: 2024-01-30. Review status: criteria provided, single submitter. Criteria: Ambry Variant Classification Scheme 2023. Collection method: clinical testing. Allele origin: germline.

Labcorp Genetics (formerly Invitae), Labcorp
Classification: Uncertain significance. Last evaluated: 2022-07-12. Review status: criteria provided, single submitter. Criteria: Invitae Variant Classification Sherloc (09022015). Collection method: clinical testing. Allele origin: germline.
Comment: This sequence change replaces cysteine, which is neutral and slightly polar, with arginine, which is basic and polar, at codon 1282 of the VPS13D protein (p.Cys1282Arg). This variant is present in population databases (rs549976758, gnomAD 0.009%). This variant has not been reported in the literature in individuals affected with VPS13D-related conditions. Algorithms developed to predict the effect of missense changes on protein structure and function are either unavailable or do not agree on the potential impact of this missense change (SIFT: "Deleterious"; PolyPhen-2: "Benign"; Align-GVGD: "Class C0"). In summary, the available evidence is currently insufficient to determine the role of this variant in disease. Therefore, it has been classified as a Variant of Uncertain Significance.

NM_015378.4(VPS13D):c.3844T>C (p.Cys1282Arg)

Gene: VPS13D (vacuolar protein sorting 13 homolog D; plus strand). Cytogenetic location: 1p36.22.
Variant type: single nucleotide variant.
Coding change: c.3844T>C on transcript NM_015378.4 (MANE Select); coding-DNA position 3844, T replaced by C.
Protein change: p.Cys1282Arg; replaces cysteine 1282 with arginine.
Molecular consequence: missense variant.
Genome position (GRCh38, 1-based): chr1:12,277,432, T>C. VCF-style: chr1-12277432-T-C. GRCh37 (hg19) VCF-style: chr1-12337489-T-C.
Other names: c.3844T>C, p.Cys1282Arg (NM_018156.4); c.3844T>C (NM_015378.2); short protein forms C1282R.
Identifiers: ClinVar variation 2179351 (VCV002179351.2), dbSNP rs549976758, ClinGen allele CA602030.